The following is an entry in ClinVar:

NM_031935.3(HMCN1):c.9887+4T>G

Gene: HMCN1 (hemicentin 1; plus strand). Cytogenetic location: 1q31.1.
Variant type: single nucleotide variant.
Coding change: c.9887+4T>G on transcript NM_031935.3 (MANE Select); 4 bases into the intron after coding-DNA position 9887, T replaced by G.
Molecular consequence: intron variant.
Genome position (GRCh38, 1-based): chr1:186,090,921, T>G. VCF-style: chr1-186090921-T-G. GRCh37 (hg19) VCF-style: chr1-186060053-T-G.
Other names: c.9887+4T>G (NM_031935.2).
Identifiers: ClinVar variation 1438520 (VCV001438520.8), dbSNP rs746668370, ClinGen allele CA1293562.
Genomic context (GRCh38, chr1:186,090,921, plus strand): 5'-TATTCAATGGCTTAAAGATGGAAAGCCCATAGCTAGTGGTGAAACAGAAAGAATCCGGTA[T>G]GTTTAAAAATAATCTTTCCATTATAAATTGTAAGCCCTTCTACAATGCTTTATGCTTCAA-3'

ClinVar aggregate classification (germline): Uncertain significance. Review status: criteria provided, single submitter (1 of 4 stars). 2 submissions from 2 submitters: Uncertain significance (1). 1 of the submissions does not count toward it. Last evaluated 2024-02-24.

Conditions:
HMCN1-related disorder. Also called: HMCN1-related condition.

Allele frequency attached by ClinVar (database versions not stated): gnomAD exomes 0.00003 and 0.00005; ExAC 0.00004; gnomAD 0.00004; TOPMed 0.00004.
gnomAD v4.1: 49 of 1,611,078 alleles (0.003%); highest among the groups gnomAD compares: Non-Finnish European, 0.0041%; no homozygotes.

Submissions (2):

Labcorp Genetics (formerly Invitae), Labcorp
Classification: Uncertain significance. Last evaluated: 2024-02-24. Review status: criteria provided, single submitter. Criteria: Invitae Variant Classification Sherloc (09022015). Collection method: clinical testing. Allele origin: germline.
Comment: This sequence change falls in intron 64 of the HMCN1 gene. It does not directly change the encoded amino acid sequence of the HMCN1 protein. It affects a nucleotide within the consensus splice site. This variant is present in population databases (rs746668370, gnomAD 0.01%). This variant has not been reported in the literature in individuals affected with HMCN1-related conditions. ClinVar contains an entry for this variant (Variation ID: 1438520). Variants that disrupt the consensus splice site are a relatively common cause of aberrant splicing (PMID: 17576681, 9536098). Algorithms developed to predict the effect of sequence changes on RNA splicing suggest that this variant is not likely to affect RNA splicing. In summary, the available evidence is currently insufficient to determine the role of this variant in disease. Therefore, it has been classified as a Variant of Uncertain Significance.

PreventionGenetics, part of Exact Sciences
Classification: Likely benign for HMCN1-related condition. Last evaluated: 2019-11-26. Review status: no assertion criteria provided. Collection method: clinical testing. Allele origin: germline. Not counted in ClinVar's aggregate classification.
Comment: This variant is classified as likely benign based on ACMG/AMP sequence variant interpretation guidelines (Richards et al. 2015 PMID: 25741868, with internal and published modifications).

Literature cited by the submitters: PubMed 17576681 (cited by Labcorp Genetics (formerly Invitae), Labcorp); PubMed 9536098 (cited by Labcorp Genetics (formerly Invitae), Labcorp).